The following is an entry in ClinVar:

ClinVar aggregate classification (germline): Uncertain significance. Review status: criteria provided, multiple submitters, no conflicts (2 of 4 stars). 2 submissions from 2 submitters: Uncertain significance (2). Last evaluated 2025-02-14.

Conditions:
Spermatogenic failure 18. Identifiers: MedGen C4539783, MONDO:0054615, OMIM 617576.
Ciliary dyskinesia, primary, 37 (CILD37). Also called: CILIARY DYSKINESIA, PRIMARY, 37, WITH OR WITHOUT SITUS INVERSUS. Identifiers: MedGen C4539798, MONDO:0033204, OMIM 617577.

Allele frequency attached by ClinVar (database versions not stated): gnomAD 0.00005 and 0.00001; TOPMed 0.00005; 1000 Genomes Project 30x 0.00016; 1000 Genomes Project 0.00020; gnomAD exomes 0.00012; ExAC 0.00012.
gnomAD v4.1: 83 of 1,613,984 alleles (0.0051%); highest among the groups gnomAD compares: South Asian, 0.076%; 3 homozygotes.

Submissions (2):

Labcorp Genetics (formerly Invitae), Labcorp
Classification: Uncertain significance for Ciliary dyskinesia, primary, 37; Spermatogenic failure 18. Last evaluated: 2025-02-14. Review status: criteria provided, single submitter. Criteria: Invitae Variant Classification Sherloc (09022015). Collection method: clinical testing. Allele origin: germline.
Comment: This sequence change replaces arginine, which is basic and polar, with histidine, which is basic and polar, at codon 4206 of the DNAH1 protein (p.Arg4206His). This variant is present in population databases (rs528880647, gnomAD 0.06%). This variant has not been reported in the literature in individuals affected with DNAH1-related conditions. ClinVar contains an entry for this variant (Variation ID: 657715). Invitae Evidence Modeling of protein sequence and biophysical properties (such as structural, functional, and spatial information, amino acid conservation, physicochemical variation, residue mobility, and thermodynamic stability) indicates that this missense variant is expected to disrupt DNAH1 protein function with a positive predictive value of 80%. In summary, the available evidence is currently insufficient to determine the role of this variant in disease. Therefore, it has been classified as a Variant of Uncertain Significance.

Ambry Genetics
Classification: Uncertain significance. Last evaluated: 2024-01-16. Review status: criteria provided, single submitter. Criteria: Ambry Variant Classification Scheme 2023. Collection method: clinical testing. Allele origin: germline.

NM_015512.5(DNAH1):c.12617G>A (p.Arg4206His)

Gene: DNAH1 (dynein axonemal heavy chain 1; plus strand). Cytogenetic location: 3p21.1.
Variant type: single nucleotide variant.
Coding change: c.12617G>A on transcript NM_015512.5 (MANE Select); coding-DNA position 12617, G replaced by A.
Protein change: p.Arg4206His; replaces arginine 4206 with histidine.
Molecular consequence: missense variant.
Genome position (GRCh38, 1-based): chr3:52,399,720, G>A. VCF-style: chr3-52399720-G-A. GRCh37 (hg19) VCF-style: chr3-52433736-G-A.
Other names: short protein forms R4206H.
Identifiers: ClinVar variation 657715 (VCV000657715.7), dbSNP rs528880647, ClinGen allele CA2436520.